The following is an entry in ClinVar:

ClinVar aggregate classification (germline): Uncertain significance (1 of 4 stars; one submission).

Conditions:
Inborn genetic diseases. Identifiers: MedGen C0950123, MeSH D030342.

Submission:

Ambry Genetics
Classification: Uncertain significance for Inborn genetic diseases. Last evaluated: 2026-07-07. Review status: criteria provided, single submitter. Criteria: Ambry Variant Classification Scheme 2023. Collection method: clinical testing. Allele origin: germline.
Comment: The p.T472I variant (also known as c.1415C>T), located in coding exon 9 of the WT1 gene, results from a C to T substitution at nucleotide position 1415. The threonine at codon 472 is replaced by isoleucine, an amino acid with similar properties. This amino acid position is conserved. In addition, the in silico prediction for this alteration is inconclusive. Based on the available evidence, the clinical significance of this variant remains unclear.

NM_024426.6(WT1):c.1430C>T (p.Thr477Ile)

Gene: WT1 (WT1 transcription factor; minus strand). Cytogenetic location: 11p13.
Variant type: single nucleotide variant.
Coding change: c.1430C>T on transcript NM_024426.6 (MANE Select); coding-DNA position 1430, C replaced by T.
Protein change: p.Thr477Ile; replaces threonine 477 with isoleucine.
Molecular consequence: missense variant. On other transcripts: non-coding transcript variant (2), intron variant (2).
Genome position (GRCh38, 1-based): chr11:32,391,989, G>A on the plus strand (C>T on the coding strand, the complement: WT1 is on the minus strand). VCF-style: chr11-32391989-G-A. GRCh37 (hg19) VCF-style: chr11-32413535-G-A.
Other names: c.1379C>T, p.Thr460Ile (NM_000378.6, NM_001407045.1); c.779C>T, p.Thr260Ile (NM_001198551.2); c.728C>T, p.Thr243Ile (NM_001198552.2); c.242C>T, p.Thr81Ile (NM_001367854.1); c.1424C>T, p.Thr475Ile (NM_001407044.1); c.1307C>T, p.Thr436Ile (NM_001407047.1); c.1289C>T, p.Thr430Ile (NM_001407048.1); c.1256C>T, p.Thr419Ile (NM_001407050.1); and 6 more; short protein forms T436I, T81I, T223I, T387I, T475I, T477I, T404I, T430I.
Identifiers: ClinVar variation 5032041 (VCV005032041.1).